The following is an entry in ClinVar:

ClinVar aggregate classification (germline): Benign/Likely benign. Review status: criteria provided, multiple submitters, no conflicts (2 of 4 stars). 14 submissions from 14 submitters: Benign (1); Likely benign (9). 4 of the submissions do not count toward it. Last evaluated 2026-06-01.

Conditions:
ALPK3-related disorder. Also called: ALPK3-related condition.
Cardiomyopathy, familial hypertrophic 27. Identifiers: MedGen C4748014, MONDO:0054838, OMIM 618052.
Cardiovascular phenotype. Identifiers: MedGen CN230736.

Allele frequency attached by ClinVar (database versions not stated): 1000 Genomes Project 30x 0.00141; 1000 Genomes Project 0.00180; TOPMed 0.00337; gnomAD 0.00358 and 0.00386; gnomAD exomes 0.00385 and 0.00571; ExAC 0.00430; ESP Exome Variant Server 0.00461.

Submissions (14):

CeGaT Center for Human Genetics Tuebingen
Classification: Likely benign. Last evaluated: 2026-06-01. Review status: criteria provided, single submitter. Criteria: CeGaT Center For Human Genetics Tuebingen Variant Classification Criteria Version 2. Collection method: clinical testing. Allele origin: germline. Affected: yes. Observed: 3 variant alleles.
Comment: ALPK3: BP4, BP7, BS2

Labcorp Genetics (formerly Invitae), Labcorp
Classification: Benign. Last evaluated: 2026-02-02. Review status: criteria provided, single submitter. Criteria: Invitae Variant Classification Sherloc (09022015). Collection method: clinical testing. Allele origin: germline.

Mayo Clinic Laboratories, Mayo Clinic
Classification: Likely benign. Last evaluated: 2025-11-05. Review status: criteria provided, single submitter. Criteria: ACMG Guidelines, 2015. Collection method: clinical testing. Allele origin: germline. Observed: 9 variant alleles.
Comment: BP4, BP7

ARUP Laboratories, Molecular Genetics and Genomics, ARUP Laboratories
Classification: Likely benign for Cardiomyopathy, familial hypertrophic 27. Last evaluated: 2025-04-28. Review status: criteria provided, single submitter. Criteria: ARUP Molecular Germline Variant Investigation Process 2024. Collection method: clinical testing. Allele origin: germline.

Molecular Diagnostic Laboratory for Inherited Cardiovascular Disease, Montreal Heart Institute
Classification: Likely benign. Last evaluated: 2025-04-09. Review status: criteria provided, single submitter. Criteria: ACMG Guidelines, 2015. Collection method: clinical testing. Allele origin: germline. Affected: no.

Blueprint Genetics
Classification: Likely benign. Last evaluated: 2024-11-27. Review status: criteria provided, single submitter. Criteria: ACMG Guidelines, 2015. Collection method: clinical testing. Allele origin: germline.

Women's Health and Genetics/Laboratory Corporation of America, LabCorp
Classification: Likely benign. Last evaluated: 2023-07-30. Review status: criteria provided, single submitter. Criteria: LabCorp Variant Classification Summary - May 2015. Collection method: clinical testing. Allele origin: germline.

GeneDx
Classification: Likely benign. Last evaluated: 2021-04-03. Review status: criteria provided, single submitter. Criteria: GeneDx Variant Classification Process June 2021. Collection method: clinical testing. Allele origin: germline. Affected: yes.

Ambry Genetics
Classification: Likely benign for Cardiovascular phenotype. Last evaluated: 2019-01-18. Review status: criteria provided, single submitter. Criteria: Ambry Variant Classification Scheme 2023. Collection method: clinical testing. Allele origin: germline.

Breakthrough Genomics
Classification: Likely benign. Review status: criteria provided, single submitter. Criteria: ACMG Guidelines, 2015. Collection method: not provided. Allele origin: germline. Inheritance: Autosomal recessive inheritance. Affected: yes.

PreventionGenetics, part of Exact Sciences
Classification: Likely benign for ALPK3-related condition. Last evaluated: 2019-03-13. Review status: no assertion criteria provided. Collection method: clinical testing. Allele origin: germline. Not counted in ClinVar's aggregate classification.
Comment: This variant is classified as likely benign based on ACMG/AMP sequence variant interpretation guidelines (Richards et al. 2015 PMID: 25741868, with internal and published modifications).

Clinical Genetics DNA and cytogenetics Diagnostics Lab, Erasmus MC, Erasmus Medical Center
Classification: Likely benign. Review status: no assertion criteria provided. Collection method: clinical testing. Allele origin: germline. Affected: yes. Study: VKGL Data-share Consensus. Not counted in ClinVar's aggregate classification.

Clinical Genetics, Academic Medical Center
Classification: Benign. Review status: no assertion criteria provided. Collection method: clinical testing. Allele origin: germline. Affected: yes. Study: VKGL Data-share Consensus. Not counted in ClinVar's aggregate classification.

Diagnostic Laboratory, Department of Genetics, University Medical Center Groningen
Classification: Benign. Review status: no assertion criteria provided. Collection method: clinical testing. Allele origin: germline. Affected: yes. Study: VKGL Data-share Consensus. Not counted in ClinVar's aggregate classification.

NM_020778.5(ALPK3):c.2595C>T (p.Pro865=)

Gene: ALPK3 (alpha kinase 3; plus strand). Cytogenetic location: 15q25.3.
Variant type: single nucleotide variant.
Coding change: c.2595C>T on transcript NM_020778.5 (MANE Select); coding-DNA position 2595, C replaced by T.
Protein change: p.Pro865=; no amino-acid change (proline 865 retained).
Molecular consequence: synonymous variant.
Genome position (GRCh38, 1-based): chr15:84,857,333, C>T. VCF-style: chr15-84857333-C-T. GRCh37 (hg19) VCF-style: chr15-85400564-C-T.
Other names: p.Pro1067=.
Identifiers: ClinVar variation 388137 (VCV000388137.49), dbSNP rs114957070, ClinGen allele CA7709452.